The following is an entry in ClinVar:

ClinVar aggregate classification (germline): Uncertain significance (1 of 4 stars; one submission).

Conditions:
Autoimmune lymphoproliferative syndrome type 2B. Also called: AUTOIMMUNE LYMPHOPROLIFERATIVE SYNDROME, TYPE IIB. Identifiers: Orphanet 275517, MedGen C1846545, MONDO:0011804, OMIM 607271.

gnomAD v4.1: 5 of 1,612,110 alleles (0.00031%); highest among the groups gnomAD compares: African/African-American, 0.0067%; no homozygotes.

Submission:

Labcorp Genetics (formerly Invitae), Labcorp
Classification: Uncertain significance for Autoimmune lymphoproliferative syndrome type 2B. Last evaluated: 2025-05-23. Review status: criteria provided, single submitter. Criteria: Invitae Variant Classification Sherloc (09022015). Collection method: clinical testing. Allele origin: germline.
Comment: This sequence change replaces histidine, which is basic and polar, with aspartic acid, which is acidic and polar, at codon 104 of the CASP8 protein (p.His104Asp). This variant is present in population databases (rs371728950, gnomAD 0.01%). This variant has not been reported in the literature in individuals affected with CASP8-related conditions. An algorithm developed to predict the effect of missense changes on protein structure and function (PolyPhen-2) suggests that this variant is likely to be tolerated. In summary, the available evidence is currently insufficient to determine the role of this variant in disease. Therefore, it has been classified as a Variant of Uncertain Significance.

NM_001372051.1(CASP8):c.306-2002C>G

Gene: CASP8 (caspase 8; plus strand). Cytogenetic location: 2q33.1.
Variant type: single nucleotide variant.
Coding change: c.306-2002C>G on transcript NM_001372051.1 (MANE Select); 2002 bases into the intron before coding-DNA position 306, C replaced by G.
Molecular consequence: intron variant. On other transcripts: missense variant (1).
Genome position (GRCh38, 1-based): chr2:201,269,514, C>G. VCF-style: chr2-201269514-C-G. GRCh37 (hg19) VCF-style: chr2-202134237-C-G.
Other names: c.310C>G, p.His104Asp (NM_001228.5); c.306-2002C>G (NM_001400651.1, NM_001400663.1, NM_001400657.1 and 20 more transcripts); c.-227-2002C>G (NM_001400677.1, NM_001400750.1, NM_001400751.1 and 6 more transcripts); c.-4-2002C>G (NM_001400669.1); c.-306-2002C>G (NM_001400680.1); c.483-2002C>G (NM_001080125.2, NM_001400642.1, NM_001400665.1); c.-408-2002C>G (NM_001400674.1); short protein forms H104D.
Identifiers: ClinVar variation 4692623 (VCV004692623.1).